The following is an entry in ClinVar:

ClinVar aggregate classification (germline): Uncertain significance (1 of 4 stars; one submission).

Allele frequency attached by ClinVar (database versions not stated): gnomAD exomes 0.00001 and 0.00002; TOPMed 0.00002; ExAC 0.00003.
gnomAD v4.1: 8 of 1,604,206 alleles (0.0005%); highest among the groups gnomAD compares: Admixed American, 0.0051%; no homozygotes.

Submission:

Labcorp Genetics (formerly Invitae), Labcorp
Classification: Uncertain significance. Last evaluated: 2024-03-11. Review status: criteria provided, single submitter. Criteria: Invitae Variant Classification Sherloc (09022015). Collection method: clinical testing. Allele origin: germline.
Comment: This sequence change replaces isoleucine, which is neutral and non-polar, with methionine, which is neutral and non-polar, at codon 1488 of the TUBGCP6 protein (p.Ile1488Met). This variant is present in population databases (rs767048273, gnomAD 0.006%). This variant has not been reported in the literature in individuals affected with TUBGCP6-related conditions. ClinVar contains an entry for this variant (Variation ID: 1475684). An algorithm developed to predict the effect of missense changes on protein structure and function (PolyPhen-2) suggests that this variant is likely to be disruptive. In summary, the available evidence is currently insufficient to determine the role of this variant in disease. Therefore, it has been classified as a Variant of Uncertain Significance.

NM_020461.4(TUBGCP6):c.4464C>G (p.Ile1488Met)

Gene: TUBGCP6 (tubulin gamma complex component 6; minus strand). Cytogenetic location: 22q13.33.
Variant type: single nucleotide variant.
Coding change: c.4464C>G on transcript NM_020461.4 (MANE Select); coding-DNA position 4464, C replaced by G.
Protein change: p.Ile1488Met; replaces isoleucine 1488 with methionine.
Molecular consequence: missense variant.
Genome position (GRCh38, 1-based): chr22:50,219,308, G>C on the plus strand (C>G on the coding strand, the complement: TUBGCP6 is on the minus strand). VCF-style: chr22-50219308-G-C. GRCh37 (hg19) VCF-style: chr22-50657737-G-C.
Other names: short protein forms I1488M.
Identifiers: ClinVar variation 1475684 (VCV001475684.4), dbSNP rs767048273, ClinGen allele CA10307504.